The following is an entry in ClinVar:

NM_018926.3(PCDHGB6):c.2268T>C (p.Ile756=)

Genes: PCDHG@ (protocadherin gamma cluster; plus strand), PCDHGA1 (protocadherin gamma subfamily A, 1; plus strand), PCDHGA2 (protocadherin gamma subfamily A, 2; plus strand), PCDHGA3 (protocadherin gamma subfamily A, 3; plus strand), PCDHGA4 (protocadherin gamma subfamily A, 4; plus strand) and 11 more. Cytogenetic location: 5q31.3.
Variant type: single nucleotide variant.
Coding change: c.2268T>C on transcript NM_018926.3 (MANE Select); coding-DNA position 2268, T replaced by C.
Protein change: p.Ile756=; no amino-acid change (isoleucine 756 retained).
Molecular consequence: synonymous variant. On other transcripts: intron variant (14).
Genome position (GRCh38, 1-based): chr5:141,410,470, T>C. VCF-style: chr5-141410470-T-C. GRCh37 (hg19) VCF-style: chr5-140790037-T-C.
Other names: c.2268T>C, p.Ile756= (NM_001386906.1, NM_032100.1); c.2421+77365T>C (NM_018912.3); c.2424+69075T>C (NM_018915.4); c.2424+64013T>C (NM_018916.4); c.2409+57801T>C (NM_018922.3); c.2514+52849T>C (NM_018917.4); c.2421+47914T>C (NM_018923.3); c.2421+43719T>C (NM_018918.3); and 7 more.
Identifiers: ClinVar variation 2655860 (VCV002655860.24), dbSNP rs765454115, ClinGen allele CA3474806.

ClinVar aggregate classification (germline): Likely benign (1 of 4 stars; one submission).

Allele frequency attached by ClinVar (database versions not stated): gnomAD exomes below 0.00001; ExAC 0.00001; gnomAD 0.00001; TOPMed 0.00001.
gnomAD v4.1: 3 of 1,613,922 alleles (0.00019%); highest among the groups gnomAD compares: African/African-American, 0.004%; no homozygotes.

Submission:

CeGaT Center for Human Genetics Tuebingen
Classification: Likely benign. Last evaluated: 2022-12-01. Review status: criteria provided, single submitter. Criteria: CeGaT Center For Human Genetics Tuebingen Variant Classification Criteria Version 2. Collection method: clinical testing. Allele origin: germline. Affected: yes. Observed: 1 variant allele.
Comment: PCDHGB6: BP4, BP7